The following is an entry in ClinVar:

NM_001134673.4(NFIA):c.*66C>T

Gene: NFIA (nuclear factor I A; plus strand). Cytogenetic location: 1p31.3.
Variant type: single nucleotide variant.
Coding change: c.*66C>T on transcript NM_001134673.4 (MANE Select); 66 bases downstream of the stop codon, C replaced by T.
Molecular consequence: 3 prime UTR variant.
Genome position (GRCh38, 1-based): chr1:61,455,386, C>T. VCF-style: chr1-61455386-C-T. GRCh37 (hg19) VCF-style: chr1-61921058-C-T.
Other names: c.*7C>T (NM_005595.4, NM_005595.5); c.*66C>T (NM_001145511.2, NM_001145512.2).
Identifiers: ClinVar variation 2434345 (VCV002434345.4), dbSNP rs188788064, ClinGen allele CA881334.
Genomic context (GRCh38, chr1:61,455,386, plus strand): 5'-GCAGCGTCCCACCATCCACCAGACAGACCACCTGACCCCTTCTCAACTCTGTAACATGGA[C>T]GCAACCTCAACCCAGCGCAGTTACAACTTCACTATCAGCGGAAGGGGAGAAAAACCGATT-3'

ClinVar aggregate classification (germline): Conflicting classifications of pathogenicity. Review status: criteria provided, conflicting classifications (1 of 4 stars). 2 submissions from 2 submitters: Uncertain significance (1); Likely benign (1). Last evaluated 2025-11-10.

Conditions:
NFIA-Related Disorder. Also called: NFIA-related condition; NFIA-related disorders. Identifiers: MedGen CN381099.
Brain malformations with or without urinary tract defects. Also called: Brain malformations and urinary tract defects. Identifiers: MedGen C4478940, MONDO:0100478, OMIM 613735.

Allele frequency attached by ClinVar (database versions not stated): gnomAD 0.00005; ExAC 0.00006; TOPMed 0.00006; gnomAD exomes 0.00007; ESP Exome Variant Server 0.00008; 1000 Genomes Project 30x 0.00016; 1000 Genomes Project 0.00020.
gnomAD v4.1: 114 of 1,613,680 alleles (0.0071%); highest among the groups gnomAD compares: Middle Eastern, 0.049%; no homozygotes.

Submissions (2):

PreventionGenetics, part of Exact Sciences
Classification: Likely benign for NFIA-related condition. Last evaluated: 2025-11-10. Review status: criteria provided, single submitter. Criteria: ACMG Guidelines, 2015. Collection method: clinical testing. Allele origin: germline.
Comment: This variant is classified as likely benign based on ACMG/AMP sequence variant interpretation guidelines (Richards et al. 2015 PMID: 25741868, with internal and published modifications).

Revvity Omics, Revvity
Classification: Uncertain significance for Brain malformations with or without urinary tract defects. Last evaluated: 2019-01-03. Review status: criteria provided, single submitter. Criteria: ACMG Guidelines, 2015. Collection method: clinical testing. Allele origin: germline.